The following is an entry in ClinVar:

NM_033198.4(PIGS):c.1181+8C>T

Gene: PIGS (phosphatidylinositol glycan anchor biosynthesis class S; minus strand). Cytogenetic location: 17q11.2.
Variant type: single nucleotide variant.
Coding change: c.1181+8C>T on transcript NM_033198.4 (MANE Select); 8 bases into the intron after coding-DNA position 1181, C replaced by T.
Molecular consequence: intron variant.
Genome position (GRCh38, 1-based): chr17:28,556,158, G>A on the plus strand (C>T on the coding strand, the complement: PIGS is on the minus strand). VCF-style: chr17-28556158-G-A. GRCh37 (hg19) VCF-style: chr17-26883176-G-A.
Identifiers: ClinVar variation 4872566 (VCV004872566.3).

ClinVar aggregate classification (germline): Likely benign. Review status: criteria provided, multiple submitters, no conflicts (2 of 4 stars). 2 submissions from 2 submitters: Likely benign (2). Last evaluated 2026-06-01.

gnomAD v4.1: 254 of 1,606,758 alleles (0.016%); highest among the groups gnomAD compares: African/African-American, 0.29%; 3 homozygotes.

Submissions (2):

CeGaT Center for Human Genetics Tuebingen
Classification: Likely benign. Last evaluated: 2026-06-01. Review status: criteria provided, single submitter. Criteria: CeGaT Center For Human Genetics Tuebingen Variant Classification Criteria Version 2. Collection method: clinical testing. Allele origin: germline. Affected: yes. Observed: 1 variant allele.
Comment: PIGS: BP4

Blueprint Genetics
Classification: Likely benign. Last evaluated: 2024-08-26. Review status: criteria provided, single submitter. Criteria: ACMG Guidelines, 2015. Collection method: clinical testing. Allele origin: germline.